The following is an entry in ClinVar:

ClinVar aggregate classification (germline): Pathogenic. Review status: reviewed by expert panel (3 of 4 stars). 8 submissions from 8 submitters: Pathogenic (1). 7 of the submissions do not count toward it. Last evaluated 2023-08-29.

Conditions:
CDH1-related diffuse gastric and lobular breast cancer syndrome. Also called: CDH1-related diffuse gastric and lobular breast cancer. Identifiers: MedGen CN311521, MONDO:0100488.
Hereditary cancer-predisposing syndrome. Also called: Tumor predisposition; Hereditary neoplastic syndrome; Neoplastic Syndromes, Hereditary; Hereditary Cancer Syndrome. Identifiers: Orphanet 140162, MedGen C0027672, MeSH D009386, MONDO:0015356.
CDH1-related disorder. Also called: CDH1-related condition.
Hereditary diffuse gastric adenocarcinoma (HDGC). Also called: DIFFUSE GASTRIC AND LOBULAR BREAST CANCER SYNDROME. Identifiers: Orphanet 26106, MedGen C1708349, MONDO:0007648, OMIM 137215.

Allele frequency attached by ClinVar (database versions not stated): gnomAD exomes below 0.00001.

Submissions (8):

Clingen Gastric Cancer Variant Curation Expert Panel
Classification: Pathogenic for CDH1-related diffuse gastric and lobular breast cancer syndrome. Last evaluated: 2023-08-29. Review status: reviewed by expert panel. Criteria: ClinGen CDH1 ACMG Specifications V3.1. Collection method: curation. Allele origin: germline. Inheritance: Autosomal dominant inheritance.
Comment: The c.2100del p.(Val701Serfs) variant is predicted to result in a premature stop codon that leads to a truncated or absent protein (PVS1, PM5_Supporting). The variant has been reported in at least one family meeting HDGC clinical criteria (PS4_Supporting; PMID: 26182300). This variant is absent in the gnomAD cohort (PM2_Supporting). In summary, this variant meets criteria to be classified as pathogenic based on the ACMG/AMP criteria applied as specified by the CDH1 Variant Curation Expert Panel (Variant Interpretation Guidelines Version 3.1): PVS1, PM2_Supporting, PS4_Supporting, PM5_Supporting.

Ambry Genetics
Classification: Pathogenic for Hereditary cancer-predisposing syndrome. Last evaluated: 2026-04-14. Review status: criteria provided, single submitter. Criteria: Ambry Variant Classification Scheme 2023. Collection method: clinical testing. Allele origin: germline. Not counted in ClinVar's aggregate classification.
Comment: The c.2100delT pathogenic mutation, located in coding exon 13 of the CDH1 gene, results from a deletion of one nucleotide at nucleotide position 2100, causing a translational frameshift with a predicted alternate stop codon (p.V701Sfs*21). This variant was reported in individual(s) with features consistent with CDH1-related diffuse gastric and lobular breast cancer (Aronson M et al. Curr Oncol, 2020 Apr;27:e182-e190; Hansford S et al. JAMA Oncol, 2015 Apr;1:23-32). This variant is considered to be rare based on population cohorts in the Genome Aggregation Database (gnomAD). This alteration is expected to result in loss of function by premature protein truncation or nonsense-mediated mRNA decay. As such, this alteration is interpreted as a disease-causing mutation.

Labcorp Genetics (formerly Invitae), Labcorp
Classification: Pathogenic for Hereditary diffuse gastric adenocarcinoma. Last evaluated: 2025-07-30. Review status: criteria provided, single submitter. Criteria: Invitae Variant Classification Sherloc (09022015). Collection method: clinical testing. Allele origin: germline. Not counted in ClinVar's aggregate classification.
Comment: This sequence change creates a premature translational stop signal (p.Val701Serfs*21) in the CDH1 gene. It is expected to result in an absent or disrupted protein product. Loss-of-function variants in CDH1 are known to be pathogenic (PMID: 15235021, 20373070). This variant is not present in population databases (gnomAD no frequency). This premature translational stop signal has been observed in individual(s) with hereditary diffuse gastric cancer (PMID: 26182300). ClinVar contains an entry for this variant (Variation ID: 492677). For these reasons, this variant has been classified as Pathogenic.

GeneDx
Classification: Pathogenic. Last evaluated: 2023-12-22. Review status: criteria provided, single submitter. Criteria: GeneDx Variant Classification Process June 2021. Collection method: clinical testing. Allele origin: germline. Affected: yes. Not counted in ClinVar's aggregate classification.
Comment: Frameshift variant predicted to result in protein truncation or nonsense mediated decay in a gene for which loss of function is a known mechanism of disease; Not observed at significant frequency in large population cohorts (gnomAD); This variant is associated with the following publications: (PMID: 30745422, 26182300, 32489267)

Myriad Genetics, Inc.
Classification: Pathogenic for Hereditary diffuse gastric adenocarcinoma. Last evaluated: 2023-06-15. Review status: criteria provided, single submitter. Criteria: Myriad Autosomal Dominant, Autosomal Recessive and X-Linked Classification Criteria (2023). Collection method: clinical testing. Allele origin: unknown. Not counted in ClinVar's aggregate classification.
Comment: This variant is considered pathogenic. This variant creates a frameshift predicted to result in premature protein truncation.

PreventionGenetics, part of Exact Sciences
Classification: Pathogenic for CDH1-related condition. Last evaluated: 2024-04-30. Review status: no assertion criteria provided. Collection method: clinical testing. Allele origin: germline. Not counted in ClinVar's aggregate classification.
Comment: The CDH1 c.2100delT variant is predicted to result in a frameshift and premature protein termination (p.Val701Serfs*21). This variant has been reported in multiple individuals with hereditary diffuse gastric cancer (HDGC) (see for example, eTable 1. Hansford et al 2015. PubMed ID: 26182300; Table 1. Aronson et al 2020. PubMed ID: 32489267). This variant has not been reported in a large population database, indicating this variant is rare. This variant is interpreted as pathogenic in ClinVar by the ClinGen CDH1 Variant Curation Expert Panel. Frameshift variants in CDH1 are expected to be pathogenic. This variant is interpreted as pathogenic.

Department of Pathology and Laboratory Medicine, Sinai Health System
Classification: Uncertain significance. Review status: no assertion criteria provided. Collection method: clinical testing. Allele origin: unknown. Affected: yes. Study: The Canadian Open Genetics Repository (COGR). Not counted in ClinVar's aggregate classification.

Mayo Clinic Laboratories, Mayo Clinic
Classification: Likely pathogenic. Review status: no assertion criteria provided. Collection method: clinical testing. Allele origin: unknown. Not counted in ClinVar's aggregate classification.

Literature cited by the submitters: PubMed 26182300 (cited by 3 submitters); PubMed 32489267 (cited by Ambry Genetics); PubMed 15235021 (cited by Labcorp Genetics (formerly Invitae), Labcorp); PubMed 20373070 (cited by Labcorp Genetics (formerly Invitae), Labcorp).

NM_004360.5(CDH1):c.2100del (p.Val701fs)

Gene: CDH1 (cadherin 1; plus strand). Cytogenetic location: 16q22.1.
Variant type: Deletion.
Coding change: c.2100del on transcript NM_004360.5 (MANE Select); coding-DNA position 2100, one base deleted (T; older notation c.2100delT).
Protein change: p.Val701fs; shifts the reading frame from valine 701.
Molecular consequence: frameshift variant.
Genome position (GRCh38, 1-based): chr16:68,823,562, T deleted. VCF-style (leftmost placement, unchanged base first): chr16-68823561-CT-C. GRCh37 (hg19) VCF-style: chr16-68857464-CT-C.
Other names: c.2100del (LRG_301t1, NM_004360.3); c.1917del, p.Val640fs (NM_001317184.2); c.552del, p.Val185fs (NM_001317185.2); c.135del, p.Val46fs (NM_001317186.2); c.2100delT (NM_004360.4); short protein forms V185fs, V46fs, V640fs, V701fs.
Identifiers: ClinVar variation 492677 (VCV000492677.23), dbSNP rs1555517136, ClinGen allele CA658683961.